The following is an entry in ClinVar:

ClinVar aggregate classification (germline): Likely benign. Review status: criteria provided, multiple submitters, no conflicts (2 of 4 stars). 3 submissions from 3 submitters: Likely benign (3). Last evaluated 2026-09-01.

Conditions:
Giant axonal neuropathy 1 (GAN1). Also called: GIANT AXONAL NEUROPATHY 1, AUTOSOMAL RECESSIVE; GAN-Related Neurodegeneration. Identifiers: Orphanet 643, MedGen C1850386, MONDO:0009749, OMIM 256850.
Inborn genetic diseases. Identifiers: MedGen C0950123, MeSH D030342.

Allele frequency attached by ClinVar (database versions not stated): TOPMed 0.00006; ESP Exome Variant Server 0.00008; ExAC 0.00009; gnomAD 0.00009; gnomAD exomes 0.00010 and 0.00011.
gnomAD v4.1: 175 of 1,613,730 alleles (0.011%); highest among the groups gnomAD compares: Middle Eastern, 0.049%; no homozygotes.

Submissions (3):

CeGaT Center for Human Genetics Tuebingen
Classification: Likely benign. Last evaluated: 2026-09-01. Review status: criteria provided, single submitter. Criteria: CeGaT Center For Human Genetics Tuebingen Variant Classification Criteria Version 2. Collection method: clinical testing. Allele origin: germline. Affected: yes. Observed: 1 variant allele.
Comment: GAN: BP4, BP7

Labcorp Genetics (formerly Invitae), Labcorp
Classification: Likely benign for Giant axonal neuropathy 1. Last evaluated: 2026-01-27. Review status: criteria provided, single submitter. Criteria: Invitae Variant Classification Sherloc (09022015). Collection method: clinical testing. Allele origin: germline.

Ambry Genetics
Classification: Likely benign for Inborn genetic diseases. Last evaluated: 2019-07-11. Review status: criteria provided, single submitter. Criteria: Ambry Variant Classification Scheme 2023. Collection method: clinical testing. Allele origin: germline.

NM_022041.4(GAN):c.945G>A (p.Pro315=)

Gene: GAN (gigaxonin; plus strand). Cytogenetic location: 16q23.2.
Variant type: single nucleotide variant.
Coding change: c.945G>A on transcript NM_022041.4 (MANE Select); coding-DNA position 945, G replaced by A.
Protein change: p.Pro315=; no amino-acid change (proline 315 retained).
Molecular consequence: synonymous variant.
Genome position (GRCh38, 1-based): chr16:81,357,903, G>A. VCF-style: chr16-81357903-G-A. GRCh37 (hg19) VCF-style: chr16-81391508-G-A.
Other names: c.306G>A, p.Pro102= (NM_001377486.1).
Identifiers: ClinVar variation 533938 (VCV000533938.14), dbSNP rs139230642, ClinGen allele CA8191542.